The following is an entry in ClinVar:

NM_080632.3(UPF3B):c.159_160delinsTAC (p.Val54fs)

Gene: UPF3B (UPF3B regulator of nonsense mediated mRNA decay; minus strand). Cytogenetic location: Xq24.
Variant type: Indel.
Coding change: c.159_160delinsTAC on transcript NM_080632.3 (MANE Select); coding-DNA positions 159 to 160, GG replaced by TAC.
Protein change: p.Val54fs; shifts the reading frame from valine 54.
Molecular consequence: frameshift variant.
Genome position (GRCh38, 1-based): chrX:119,851,870-119,851,871, CC replaced by GTA on the plus strand (GG replaced by TAC on the coding strand, the reverse complement: UPF3B is on the minus strand). VCF-style: chrX-119851870-CC-GTA. GRCh37 (hg19) VCF-style: chrX-118985833-CC-GTA.
Other names: c.159_160delinsTAC, p.Val54fs (NM_023010.4); short protein forms V54fs.
Identifiers: ClinVar variation 2446159 (VCV002446159.2), dbSNP rs2521577214, ClinGen allele CA2580100262.

ClinVar aggregate classification (germline): Pathogenic (1 of 4 stars; one submission).

Submission:

GeneDx
Classification: Pathogenic. Last evaluated: 2025-11-15. Review status: criteria provided, single submitter. Criteria: GeneDx Variant Classification Process June 2021. Collection method: clinical testing. Allele origin: germline.
Comment: Frameshift variant predicted to result in protein truncation or nonsense mediated decay in a gene for which loss of function is a known mechanism of disease; Not observed at significant frequency in large population cohorts (gnomAD); This variant is associated with the following publications: (PMID: 36403551)